The following is an entry in ClinVar:

NM_000090.4(COL3A1):c.333+15T>C

Gene: COL3A1 (collagen type III alpha 1 chain; plus strand). Cytogenetic location: 2q32.2.
Variant type: single nucleotide variant.
Coding change: c.333+15T>C on transcript NM_000090.4 (MANE Select); 15 bases into the intron after coding-DNA position 333, T replaced by C.
Molecular consequence: intron variant.
Genome position (GRCh38, 1-based): chr2:188,985,262, T>C. VCF-style: chr2-188985262-T-C. GRCh37 (hg19) VCF-style: chr2-189849988-T-C.
Identifiers: ClinVar variation 333048 (VCV000333048.10), dbSNP rs764678861, ClinGen allele CA076007.

ClinVar aggregate classification (germline): Likely benign. Review status: criteria provided, multiple submitters, no conflicts (2 of 4 stars). 4 submissions from 4 submitters: Likely benign (4). Last evaluated 2026-01-19.

Conditions:
Ehlers-Danlos syndrome, type 4 (EDSVASC). Also called: Ehlers-Danlos Syndrome Type IV; Ehlers-Danlos syndrome vascular type; Ehlers Danlos syndrome, ecchymotic type; Ehlers Danlos syndrome, arterial type; Ehlers Danlos syndrome, Sack-Barabas type. Identifiers: Orphanet 286, MedGen C0268338, MONDO:0017314, OMIM 130050.

Allele frequency attached by ClinVar (database versions not stated): gnomAD 0.00001; TOPMed 0.00002; gnomAD exomes 0.00003 and 0.00005; ExAC 0.00004.
gnomAD v4.1: 66 of 1,596,004 alleles (0.0041%); highest among the groups gnomAD compares: Non-Finnish European, 0.0055%; no homozygotes.

Submissions (4):

Labcorp Genetics (formerly Invitae), Labcorp
Classification: Likely benign for Ehlers-Danlos syndrome, type 4. Last evaluated: 2026-01-19. Review status: criteria provided, single submitter. Criteria: Invitae Variant Classification Sherloc (09022015). Collection method: clinical testing. Allele origin: germline.

Blueprint Genetics
Classification: Likely benign. Last evaluated: 2024-09-13. Review status: criteria provided, single submitter. Criteria: ACMG Guidelines, 2015. Collection method: clinical testing. Allele origin: germline.

ARUP Laboratories, Molecular Genetics and Genomics, ARUP Laboratories
Classification: Likely benign. Last evaluated: 2023-10-25. Review status: criteria provided, single submitter. Criteria: ARUP Molecular Germline Variant Investigation Process 2024. Collection method: clinical testing. Allele origin: germline.

Illumina Laboratory Services, Illumina
Classification: Likely benign for Ehlers-Danlos syndrome, type 4. Last evaluated: 2018-01-13. Review status: criteria provided, single submitter. Criteria: ICSL Variant Classification Criteria 13 December 2019. Collection method: clinical testing. Allele origin: germline.
Comment: This variant was observed in the ICSL laboratory as part of a predisposition screen in an ostensibly healthy population. It had not been previously curated by ICSL or reported in the Human Gene Mutation Database (HGMD: prior to June 1st, 2018), and was therefore a candidate for classification through an automated scoring system. Utilizing variant allele frequency, disease prevalence and penetrance estimates, and inheritance mode, an automated score was calculated to assess if this variant is too frequent to cause the disease. Based on the score and internal cut-off values, a variant classified as likely benign is not then subjected to further curation. The score for this variant resulted in a classification of likely benign for this disease.